The following is an entry in ClinVar:

ClinVar aggregate classification (germline): Likely pathogenic. Review status: reviewed by expert panel (3 of 4 stars). 3 submissions from 3 submitters: Likely pathogenic (1). 2 of the submissions do not count toward it. Last evaluated 2025-10-04.

Conditions:
RS1-related disorder. Also called: RS1-related condition.
Juvenile retinoschisis (RS1). Also called: X-Linked Juvenile Retinoschisis; X-linked retinoschisis. Identifiers: Orphanet 792, MedGen C3714753, MONDO:0010725, OMIM 312700.

Allele frequency attached by ClinVar (database versions not stated): gnomAD exomes below 0.00001 and 0.00001.
gnomAD v4.1: 1 of 1,210,957 alleles (0.000083%); highest among the groups gnomAD compares: African/African-American, 0.0017%; no homozygotes.

Submissions (3):

ClinGen X-linked Inherited Retinal Disease Variant Curation Expert Panel, ClinGen
Classification: Likely pathogenic for Juvenile retinoschisis. Last evaluated: 2025-10-04. Review status: reviewed by expert panel. Criteria: ClinGen X LinkedIRD ACMG Specifications RS1 V1.0.0. Collection method: curation. Allele origin: germline. Inheritance: X-linked inheritance.
Comment: NM_000330.4(RS1):c.655T>G (p.Cys219Gly) is a missense variant encoding the substitution of cysteine with glycine at amino acid 219. This variant is absent from hemizygous individuals in gnomAD v4.1.0 (PM2_Supporting). However, PS4_Supporting requires at least 2 unrelated probands, so this criterion was not met. The computational predictor REVEL gives a score of 0.984, which is above the ClinGen X-linked IRD VCEP threshold of >0.932 and predicts a damaging effect on RS1 function (PP3_Strong). The computational splicing predictor SpliceAI gives a delta score of 0.00 for all predictive splice changes, which is below the ClinGen X-linked IRD VCEP threshold of ≥0.2 and does not predict that the variant disrupts RS1 splicing. Exogenously expressed RS1 harboring the variant was subjected to gel filtration-based separation and PAGE analysis on a non‐reducing gel and exhibits defective oligomerization indicating no formation of octamers (PMID: 16361673, PS3_Supporting). This variant is a missense substitution affecting a critical amino acid residue involved in disulfide bridge formation as defined by the ClinGen X-linked IRD VCEP (PMID: 26812435). PM1_Strong is not met as this code is ineligible to be used in combination with PP3_Strong. In summary, this variant is classified as likely pathogenic for X-linked retinoschisis based on the ClinGen X-linked Inherited Retinal Disease Expert Panel Specifications to the ACMG/AMP Variant Interpretation Guidelines for RS1 Version 1.0.0: PM2_Supporting, PP3_Strong, and PS3_Supporting.

Blueprint Genetics
Classification: Pathogenic for RS1-related disorders. Last evaluated: 2021-08-06. Review status: criteria provided, single submitter. Criteria: ACMG Guidelines, 2015. Collection method: clinical testing. Allele origin: germline. Affected: yes. Observed: 2 variant alleles. Not counted in ClinVar's aggregate classification.

Retina International
No classification provided. Review status: no classification provided. Collection method: not provided. Allele origin: unknown. Not counted in ClinVar's aggregate classification.

NM_000330.4(RS1):c.655T>G (p.Cys219Gly)

Genes: CDKL5 (cyclin dependent kinase like 5; plus strand), RS1 (retinoschisin 1; minus strand). Cytogenetic location: Xp22.13.
Variant type: single nucleotide variant.
Coding change: c.655T>G on transcript NM_000330.4 (MANE Select); coding-DNA position 655, T replaced by G.
Protein change: p.Cys219Gly; replaces cysteine 219 with glycine.
Molecular consequence: missense variant. On other transcripts: intron variant (2).
Genome position (GRCh38, 1-based): chrX:18,642,024, A>C on the plus strand (T>G on the coding strand, the complement: RS1 is on the minus strand). VCF-style: chrX-18642024-A-C. GRCh37 (hg19) VCF-style: chrX-18660144-A-C.
Other names: NM_000330.4(RS1):c.655T>G; c.2714-3983A>C (NM_003159.3, NM_001037343.2); short protein forms C219G.
Identifiers: ClinVar variation 99016 (VCV000099016.5), dbSNP rs281865369, ClinGen allele CA226843.